The following is an entry in ClinVar:

NM_022575.4(VPS16):c.880G>A (p.Asp294Asn)

Gene: VPS16 (VPS16 core subunit of CORVET and HOPS complexes; plus strand). Cytogenetic location: 20p13.
Variant type: single nucleotide variant.
Coding change: c.880G>A on transcript NM_022575.4 (MANE Select); coding-DNA position 880, G replaced by A.
Protein change: p.Asp294Asn; replaces aspartic acid 294 with asparagine.
Molecular consequence: missense variant.
Genome position (GRCh38, 1-based): chr20:2,861,685, G>A. VCF-style: chr20-2861685-G-A. GRCh37 (hg19) VCF-style: chr20-2842331-G-A.
Other names: c.880G>A, p.Asp294Asn (NM_080413.3); short protein forms D294N.
Identifiers: ClinVar variation 2360135 (VCV002360135.4), dbSNP rs200275618, ClinGen allele CA9737504.

ClinVar aggregate classification (germline): Uncertain significance (1 of 4 stars; one submission).

Conditions:
Inborn genetic diseases. Identifiers: MedGen C0950123, MeSH D030342.

Allele frequency attached by ClinVar (database versions not stated): ESP Exome Variant Server 0.00015; 1000 Genomes Project 30x 0.00016; gnomAD 0.00029; 1000 Genomes Project 0.00020; TOPMed 0.00020; gnomAD exomes 0.00024; ExAC 0.00031.

Submission:

Ambry Genetics
Classification: Uncertain significance for Inborn genetic diseases. Last evaluated: 2026-09-10. Review status: criteria provided, single submitter. Criteria: Ambry Variant Classification Scheme 2023. Collection method: clinical testing. Allele origin: germline.
Comment: The c.880G>A (p.D294N) alteration is located in exon 9 (coding exon 9) of the VPS16 gene. This alteration results from a G to A substitution at nucleotide position 880, causing the aspartic acid (D) at amino acid position 294 to be replaced by an asparagine (N). Based on data from gnomAD, the A allele has an overall frequency of 0.03% (84/277872) total alleles studied. The highest observed frequency was 0.121% (29/23968) of European (Finnish) alleles. Based on insufficient or conflicting evidence, the clinical significance of this alteration remains unclear.